The following is an entry in ClinVar:

ClinVar aggregate classification (germline): Pathogenic (1 of 4 stars; one submission).

Submission:

Labcorp Genetics (formerly Invitae), Labcorp
Classification: Pathogenic. Last evaluated: 2018-11-13. Review status: criteria provided, single submitter. Criteria: Invitae Variant Classification Sherloc (09022015). Collection method: clinical testing. Allele origin: germline.
Comment: A gross deletion of the genomic region encompassing the full coding sequence of the STS gene has been identified. The boundaries of this event are unknown as the deletion extends beyond the assayed region for this gene and therefore may encompass additional genes. A similar whole gene deletion has been reported in individuals and families affected withÂ¬â€ X-linked ichthyosisÂ¬â€ (PMID: 8615047, 9375723, 3032454, 3480541, 22419362). Loss-of-function variants in STS are known to be pathogenic (PMID: 9242515, 10844566, 21530180, 26762237). For these reasons, this variant has been classified as Pathogenic.

Literature cited by the submitters: PubMed 8615047; PubMed 9375723; PubMed 3032454; PubMed 22419362; PubMed 3480541.

NC_000023.11:g.(?_7050296)_(7350261_?)del

Genes: MIR4767 (microRNA 4767; plus strand), PUDP (pseudouridine 5'-phosphatase; minus strand), STS (steroid sulfatase; plus strand), LOC113875037 (Sharpr-MPRA regulatory region 5189; plus strand), LOC130067909 (ATAC-STARR-seq lymphoblastoid active region 29382; plus strand) and 9 more. Cytogenetic location: Xp22.31.
Variant type: Deletion.
Identifiers: ClinVar variation 660159 (VCV000660159.1).